The following is an entry in ClinVar:

NM_005050.4(ABCD4):c.555C>T (p.Leu185=)

Gene: ABCD4 (ATP binding cassette subfamily D member 4; minus strand). Cytogenetic location: 14q24.3.
Variant type: single nucleotide variant.
Coding change: c.555C>T on transcript NM_005050.4 (MANE Select); coding-DNA position 555, C replaced by T.
Protein change: p.Leu185=; no amino-acid change (leucine 185 retained).
Molecular consequence: synonymous variant. On other transcripts: 5 prime UTR variant (9), non-coding transcript variant (10), intron variant (2).
Genome position (GRCh38, 1-based): chr14:74,295,967, G>A on the plus strand (C>T on the coding strand, the complement: ABCD4 is on the minus strand). VCF-style: chr14-74295967-G-A. GRCh37 (hg19) VCF-style: chr14-74762670-G-A.
Other names: c.294C>T, p.Leu98= (NM_001353593.2, NM_001353594.2); c.141C>T, p.Leu47= (NM_001353595.2, NM_001353596.2, NM_001353597.2); c.78C>T, p.Leu26= (NM_001353598.2, NM_001353599.2, NM_001353600.2 and 2 more transcripts); c.-140C>T (NM_001353602.2, NM_001353603.2, NM_001353604.2 and 6 more transcripts); c.555C>T, p.Leu185= (NM_020325.3); c.542+366C>T (NM_001353591.2, NM_001353592.2).
Identifiers: ClinVar variation 508257 (VCV000508257.10), dbSNP rs188108983, ClinGen allele CA7267153.
Genomic context (GRCh38, chr14:74,295,967, plus strand): 5'-CATCAAAGTTTTGTTCACCACGGTCCCCAGGATGAAATACCCGAAGATGCTCACAGGCCC[G>A]AGCCAGCCTGTGCTGAAATAGAGAGAGAGGGAGAGAAGGGAGAGGGTGTGGGGTGCCACC-3'
Protein context (NP_005041.1, residues 175-195): TYQCFQSTGW[Leu185=]GPVSIFGYFI

ClinVar aggregate classification (germline): Likely benign. Review status: criteria provided, multiple submitters, no conflicts (2 of 4 stars). 3 submissions from 3 submitters: Likely benign (2). 1 of the submissions does not count toward it. Last evaluated 2025-10-09.

Conditions:
Methylmalonic acidemia with homocystinuria, type cblJ (MAHCJ). Also called: METHYLMALONIC ACIDURIA AND HOMOCYSTINURIA, cblJ TYPE. Identifiers: Orphanet 369955, MedGen C3553915, MONDO:0013925, OMIM 614857.
ABCD4-related disorder. Also called: ABCD4-related condition.

Allele frequency attached by ClinVar (database versions not stated): gnomAD exomes 0.00004; ExAC 0.00005; gnomAD 0.00011; ESP Exome Variant Server 0.00015; TOPMed 0.00017; 1000 Genomes Project 0.00020; 1000 Genomes Project 30x 0.00031.
gnomAD v4.1: 49 of 1,607,396 alleles (0.003%); highest among the groups gnomAD compares: African/African-American, 0.031%; no homozygotes.

Submissions (3):

Labcorp Genetics (formerly Invitae), Labcorp
Classification: Likely benign for Methylmalonic acidemia with homocystinuria, type cblJ. Last evaluated: 2025-10-09. Review status: criteria provided, single submitter. Criteria: Invitae Variant Classification Sherloc (09022015). Collection method: clinical testing. Allele origin: germline.

GeneDx
Classification: Likely benign. Last evaluated: 2017-04-20. Review status: criteria provided, single submitter. Criteria: GeneDx Variant Classification (06012015). Collection method: clinical testing. Allele origin: germline. Affected: yes.
Comment: This variant is considered likely benign or benign based on one or more of the following criteria: it is a conservative change, it occurs at a poorly conserved position in the protein, it is predicted to be benign by multiple in silico algorithms, and/or has population frequency not consistent with disease.

PreventionGenetics, part of Exact Sciences
Classification: Likely benign for ABCD4-related condition. Last evaluated: 2019-09-09. Review status: no assertion criteria provided. Collection method: clinical testing. Allele origin: germline. Not counted in ClinVar's aggregate classification.
Comment: This variant is classified as likely benign based on ACMG/AMP sequence variant interpretation guidelines (Richards et al. 2015 PMID: 25741868, with internal and published modifications).